The following is an entry in ClinVar:

ClinVar aggregate classification (germline): Uncertain significance (1 of 4 stars; one submission).

Allele frequency attached by ClinVar (database versions not stated): gnomAD exomes 0.00001; ExAC 0.00003.
gnomAD v4.1: 10 of 1,613,326 alleles (0.00062%); highest among the groups gnomAD compares: Non-Finnish European, 0.00085%; no homozygotes.

Submission:

Labcorp Genetics (formerly Invitae), Labcorp
Classification: Uncertain significance. Last evaluated: 2021-11-01. Review status: criteria provided, single submitter. Criteria: Invitae Variant Classification Sherloc (09022015). Collection method: clinical testing. Allele origin: germline.
Comment: This sequence change replaces alanine, which is neutral and non-polar, with valine, which is neutral and non-polar, at codon 436 of the ADGRB2 protein (p.Ala436Val). In summary, the available evidence is currently insufficient to determine the role of this variant in disease. Therefore, it has been classified as a Variant of Uncertain Significance. Algorithms developed to predict the effect of missense changes on protein structure and function (SIFT, PolyPhen-2, Align-GVGD) all suggest that this variant is likely to be tolerated. This variant has not been reported in the literature in individuals affected with ADGRB2-related conditions. The frequency data for this variant in the population databases is considered unreliable, as metrics indicate poor data quality at this position in the gnomAD database.

NM_001364857.2(ADGRB2):c.1307C>T (p.Ala436Val)

Gene: ADGRB2 (adhesion G protein-coupled receptor B2; minus strand). Cytogenetic location: 1p35.2.
Variant type: single nucleotide variant.
Coding change: c.1307C>T on transcript NM_001364857.2 (MANE Select); coding-DNA position 1307, C replaced by T.
Protein change: p.Ala436Val; replaces alanine 436 with valine.
Molecular consequence: missense variant.
Genome position (GRCh38, 1-based): chr1:31,742,163, G>A on the plus strand (C>T on the coding strand, the complement: ADGRB2 is on the minus strand). VCF-style: chr1-31742163-G-A. GRCh37 (hg19) VCF-style: chr1-32207764-G-A.
Other names: c.1307C>T, p.Ala436Val (NM_001294335.2, NM_001294336.2); short protein forms A436V.
Identifiers: ClinVar variation 1371161 (VCV001371161.6), dbSNP rs768548875, ClinGen allele CA735982.